The following is an entry in ClinVar:

ClinVar aggregate classification (germline): Benign/Likely benign. Review status: criteria provided, multiple submitters, no conflicts (2 of 4 stars). 2 submissions from 2 submitters: Benign (1); Likely benign (1). Last evaluated 2025-04-16.

Conditions:
BNC2-related disorder. Also called: BNC2-related condition.

Allele frequency attached by ClinVar (database versions not stated): gnomAD 0.00004; gnomAD exomes 0.00007; TOPMed 0.00009; 1000 Genomes Project 0.00020; ExAC 0.00028; 1000 Genomes Project 30x 0.00031.
gnomAD v4.1: 105 of 1,614,180 alleles (0.0065%); highest among the groups gnomAD compares: Admixed American, 0.15%; 2 homozygotes.

Submissions (2):

Labcorp Genetics (formerly Invitae), Labcorp
Classification: Benign. Last evaluated: 2025-04-16. Review status: criteria provided, single submitter. Criteria: Invitae Variant Classification Sherloc (09022015). Collection method: clinical testing. Allele origin: germline.

PreventionGenetics, part of Exact Sciences
Classification: Likely benign for BNC2-related condition. Last evaluated: 2024-12-03. Review status: criteria provided, single submitter. Criteria: ACMG Guidelines, 2015. Collection method: clinical testing. Allele origin: germline.
Comment: This variant is classified as likely benign based on ACMG/AMP sequence variant interpretation guidelines (Richards et al. 2015 PMID: 25741868, with internal and published modifications).

NM_017637.6(BNC2):c.3024C>T (p.Ala1008=)

Gene: BNC2 (basonuclin zinc finger protein 2; minus strand). Cytogenetic location: 9p22.3.
Variant type: single nucleotide variant.
Coding change: c.3024C>T on transcript NM_017637.6 (MANE Select); coding-DNA position 3024, C replaced by T.
Protein change: p.Ala1008=; no amino-acid change (alanine 1008 retained).
Molecular consequence: synonymous variant. On other transcripts: 3 prime UTR variant (1).
Genome position (GRCh38, 1-based): chr9:16,419,265, G>A on the plus strand (C>T on the coding strand, the complement: BNC2 is on the minus strand). VCF-style: chr9-16419265-G-A. GRCh37 (hg19) VCF-style: chr9-16419263-G-A.
Other names: c.*368C>T (NM_001317939.2); c.2739C>T, p.Ala913= (NM_001317940.2).
Identifiers: ClinVar variation 2053258 (VCV002053258.5), dbSNP rs181254955, ClinGen allele CA4995632.
Genomic context (GRCh38, chr9:16,419,265, plus strand): 5'-CAAGCTGCTGAACATAAGAGATCCTGAAACTTCAGCCCCTAGGCTGCCAGGGAGGGCAGG[G>A]GCCTCGGCCTTGTGTGCCGACTCCCCACTGTCACTCGCCCCGTCAATGTCATCGAGAAGA-3'
Protein context (NP_060107.3, residues 998-1018): DSGESAHKAE[Ala1008=]PALPGSLGAE